The following is an entry in ClinVar:

NM_000478.6(ALPL):c.997+3A>C

Gene: ALPL (alkaline phosphatase, biomineralization associated; plus strand). Cytogenetic location: 1p36.12.
Variant type: single nucleotide variant.
Coding change: c.997+3A>C on transcript NM_000478.6 (MANE Select); 3 bases into the intron after coding-DNA position 997, A replaced by C.
Molecular consequence: intron variant.
Genome position (GRCh38, 1-based): chr1:21,573,802, A>C. VCF-style: chr1-21573802-A-C. GRCh37 (hg19) VCF-style: chr1-21900295-A-C.
Other names: c.997+3A>C (NM_001369805.2, NM_001369804.2, NM_001369803.2 and 1 more transcripts); c.832+3A>C (NM_001127501.4); c.766+3A>C (NM_001177520.3).
Identifiers: ClinVar variation 1472412 (VCV001472412.11), dbSNP rs1553414147, ClinGen allele CA2573130539.
Genomic context (GRCh38, chr1:21,573,802, plus strand): 5'-GTGGTGGCCATCCAGATCCTGCGGAAGAACCCCAAAGGCTTCTTCTTGCTGGTGGAAGGT[A>C]GGGACCCCGGGTCTGCTGAGAGGGGGCTGCTGGAAACACGGCCCTGGTGTCAGGATGGAG-3'

ClinVar aggregate classification (germline): Conflicting classifications of pathogenicity. Review status: criteria provided, conflicting classifications (1 of 4 stars). 4 submissions from 4 submitters: Likely pathogenic (3); Uncertain significance (1). Last evaluated 2025-08-30.

Conditions:
Adult hypophosphatasia. Identifiers: Orphanet 247676, Orphanet 436, MedGen C0268413, MONDO:1010154, OMIM 146300, MONDO:0007798.
Hypophosphatasia. Also called: Phosphoethanol-aminuria. Identifiers: Orphanet 436, MedGen C0020630, MeSH D007014, MONDO:0018570.

Submissions (4):

Natera, Inc.
Classification: Likely pathogenic for Hypophosphatasia. Last evaluated: 2025-08-30. Review status: criteria provided, single submitter. Criteria: Natera Variant Classification Schema (03/2026). Collection method: clinical testing. Allele origin: germline.
Comment: The c.997+3A>C variant in ALPL is an intronic variant located outside the canonical splice sites. This variant is rare in the general population with a frequency below the threshold expected for the associated phenotype(s). This variant has been observed in one or more individuals affected with the associated recessive disease, as either homozygous or compound heterozygous with a second variant (PMID: 10679946, 9781036). This variant has been identified in one or more affected individual with a phenotype highly consistent with the associated gene (PMID: 10679946). Computational prediction algorithms indicate this variant is likely to affect gene or protein function. Given the available evidence, this variant is classified as Likely Pathogenic.

Genomenon, Inc
Classification: Uncertain significance for Hypophosphatasia. Last evaluated: 2025-08-29. Review status: criteria provided, single submitter. Criteria: Genomenon Sequence Variant Interpretation Standards. Collection method: curation. Allele origin: germline. Affected: yes.
Comment: ALPL c.997+3A>C is a splice variant located in the donor splice region of intron 9. This variant has been observed in at least one proband affected with hypophosphatasia (PMID:10679946). It is absent or not present at a significant frequency in gnomAD. In silico models agree that this variant is possibly or probably damaging. In conclusion, we classify ALPL c.997+3A>C as a variant of unknown significance.

Baylor Genetics
Classification: Likely pathogenic for Adult hypophosphatasia. Last evaluated: 2023-02-05. Review status: criteria provided, single submitter. Criteria: ACMG Guidelines, 2015. Collection method: clinical testing. Allele origin: unknown.

Labcorp Genetics (formerly Invitae), Labcorp
Classification: Likely pathogenic. Last evaluated: 2021-02-02. Review status: criteria provided, single submitter. Criteria: Invitae Variant Classification Sherloc (09022015). Collection method: clinical testing. Allele origin: germline.
Comment: This sequence change falls in intron 9 of the ALPL gene. It does not directly change the encoded amino acid sequence of the ALPL protein. It affects a nucleotide within the consensus splice site of the intron. This variant is not present in population databases (ExAC no frequency). This variant has been observed in individual(s) with autosomal recessive hypophosphatasia (PMID: 9781036, 10679946). Nucleotide substitutions within the consensus splice site are a relatively common cause of aberrant splicing (PMID: 17576681, 9536098). Algorithms developed to predict the effect of sequence changes on RNA splicing suggest that this variant may disrupt the consensus splice site, but this prediction has not been confirmed by published transcriptional studies. In summary, the currently available evidence indicates that the variant is pathogenic, but additional data are needed to prove that conclusively. Therefore, this variant has been classified as Likely Pathogenic.

Literature cited by the submitters: PubMed 10679946 (cited by 3 submitters); PubMed 9781036 (cited by Natera, Inc. and Labcorp Genetics (formerly Invitae), Labcorp); PubMed 17576681 (cited by Labcorp Genetics (formerly Invitae), Labcorp); PubMed 9536098 (cited by Labcorp Genetics (formerly Invitae), Labcorp).